The following is an entry in ClinVar:

NM_015114.3(ANKLE2):c.2730A>G (p.Pro910=)

Gene: ANKLE2 (ankyrin repeat and LEM domain containing 2; minus strand). Cytogenetic location: 12q24.33.
Variant type: single nucleotide variant.
Coding change: c.2730A>G on transcript NM_015114.3 (MANE Select); coding-DNA position 2730, A replaced by G.
Protein change: p.Pro910=; no amino-acid change (proline 910 retained).
Molecular consequence: synonymous variant.
Genome position (GRCh38, 1-based): chr12:132,727,329, T>C on the plus strand (A>G on the coding strand, the complement: ANKLE2 is on the minus strand). VCF-style: chr12-132727329-T-C. GRCh37 (hg19) VCF-style: chr12-133303915-T-C.
Identifiers: ClinVar variation 3055782 (VCV003055782.2), dbSNP rs2043718849, ClinGen allele CA482734641.

ClinVar aggregate classification (germline): Likely benign (0 of 4 stars; one submission).

Conditions:
ANKLE2-related disorder. Also called: ANKLE2-related condition.

Allele frequency attached by ClinVar (database versions not stated): gnomAD exomes below 0.00001; gnomAD 0.00001; TOPMed 0.00001.
gnomAD v4.1: 3 of 1,563,040 alleles (0.00019%); highest among the groups gnomAD compares: African/African-American, 0.0014%; no homozygotes.

Submission:

PreventionGenetics, part of Exact Sciences
Classification: Likely benign for ANKLE2-related condition. Last evaluated: 2019-04-29. Review status: no assertion criteria provided. Collection method: clinical testing. Allele origin: germline.
Comment: This variant is classified as likely benign based on ACMG/AMP sequence variant interpretation guidelines (Richards et al. 2015 PMID: 25741868, with internal and published modifications).